The following is an entry in ClinVar:

NM_006013.5(RPL10):c.*126C>T

Gene: RPL10 (ribosomal protein L10; plus strand). Cytogenetic location: Xq28.
Variant type: single nucleotide variant.
Coding change: c.*126C>T on transcript NM_006013.5 (MANE Select); 126 bases downstream of the stop codon, C replaced by T.
Molecular consequence: 3 prime UTR variant. On other transcripts: missense variant (1).
Genome position (GRCh38, 1-based): chrX:154,400,980, C>T. VCF-style: chrX-154400980-C-T. GRCh37 (hg19) VCF-style: chrX-153629321-C-T.
Other names: c.608C>T, p.Pro203Leu (NM_001256577.2); c.*126C>T (NM_001256580.2, NM_001303624.2, NM_001303625.1); c.*322C>T (NM_001303626.1); short protein forms P203L.
Identifiers: ClinVar variation 4536170 (VCV004536170.1).

ClinVar aggregate classification (germline): Uncertain significance (1 of 4 stars; one submission).

gnomAD v4.1: 1 of 1,169,927 alleles (0.000085%); highest among the groups gnomAD compares: South Asian, 0.0019%; no homozygotes.

Submission:

GeneDx
Classification: Uncertain significance. Last evaluated: 2025-06-06. Review status: criteria provided, single submitter. Criteria: GeneDx Variant Classification Process June 2021. Collection method: clinical testing. Allele origin: germline. Affected: yes.
Comment: Not observed at significant frequency in large population cohorts (gnomAD); In silico analysis suggests that this missense variant does not alter protein structure/function; Has not been previously published as pathogenic or benign to our knowledge; Reported using an alternate transcript of the gene